The following is an entry in ClinVar:

ClinVar aggregate classification (germline): Conflicting classifications of pathogenicity. Review status: criteria provided, conflicting classifications (1 of 4 stars). 5 submissions from 5 submitters: Uncertain significance (4); Likely benign (1). Last evaluated 2026-04-18.

Conditions:
Inborn genetic diseases. Identifiers: MedGen C0950123, MeSH D030342.
Joubert syndrome 25 (JBTS25). Identifiers: Orphanet 475, MedGen C4084842, MONDO:0014770, OMIM 616781.

Allele frequency attached by ClinVar (database versions not stated): gnomAD 0.00011 and 0.00012; TOPMed 0.00026; ESP Exome Variant Server 0.00008; ExAC 0.00012; 1000 Genomes Project 0.00020; gnomAD exomes 0.00024; 1000 Genomes Project 30x 0.00031.
gnomAD v4.1: 372 of 1,613,282 alleles (0.023%); highest among the groups gnomAD compares: Admixed American, 0.092%; no homozygotes.

Submissions (5):

GeneDx
Classification: Uncertain significance. Last evaluated: 2026-04-18. Review status: criteria provided, single submitter. Criteria: GeneDx Variant Classification Process June 2021. Collection method: clinical testing. Allele origin: germline.
Comment: In silico analysis suggests that this missense variant does not alter protein structure/function; Has not been previously published as pathogenic or benign to our knowledge

Labcorp Genetics (formerly Invitae), Labcorp
Classification: Uncertain significance for Joubert syndrome 25. Last evaluated: 2025-01-28. Review status: criteria provided, single submitter. Criteria: Invitae Variant Classification Sherloc (09022015). Collection method: clinical testing. Allele origin: germline.
Comment: This sequence change replaces glycine, which is neutral and non-polar, with arginine, which is basic and polar, at codon 913 of the CEP104 protein (p.Gly913Arg). This variant is present in population databases (rs201733773, gnomAD 0.1%). This variant has not been reported in the literature in individuals affected with CEP104-related conditions. ClinVar contains an entry for this variant (Variation ID: 569168). An algorithm developed to predict the effect of missense changes on protein structure and function (PolyPhen-2) suggests that this variant¬†is likely to be tolerated. In summary, the available evidence is currently insufficient to determine the role of this variant in disease. Therefore, it has been classified as a Variant of Uncertain Significance.

Blueprint Genetics
Classification: Likely benign. Last evaluated: 2024-09-06. Review status: criteria provided, single submitter. Criteria: ACMG Guidelines, 2015. Collection method: clinical testing. Allele origin: germline.

Ambry Genetics
Classification: Uncertain significance for Inborn genetic diseases. Last evaluated: 2021-07-29. Review status: criteria provided, single submitter. Criteria: Ambry Variant Classification Scheme 2023. Collection method: clinical testing. Allele origin: germline.

Clinical Genomics Laboratory, Stanford Medicine
Classification: Uncertain significance for Joubert syndrome 25. Last evaluated: 2021-05-27. Review status: criteria provided, single submitter. Criteria: ACMG Guidelines, 2015. Collection method: clinical testing. Allele origin: germline. Inheritance: Autosomal recessive inheritance. Affected: yes. Observed: 1 compound heterozygote.
Comment: The p.Gly913Arg variant in the CEP104 gene has not been previously reported in association with disease. The p.Gly913Arg variant has been identified in 62/281,042 chromosomes by the Genome Aggregation Database. Although this variant has been seen in the general population, it has not been observed at a high enough frequency to rule out pathogenicity. Computational tools predict that this variant does not impact protein function; however, the accuracy of in silico algorithms is limited. These data were assessed using the ACMG/AMP variant interpretation guidelines. In summary, the significance of the p.Gly913Arg variant is uncertain. Additional information is needed to resolve the significance of this variant. [ACMG evidence codes used: BP4]

NM_014704.4(CEP104):c.2737G>A (p.Gly913Arg)

Gene: CEP104 (centrosomal protein 104; minus strand). Cytogenetic location: 1p36.32.
Variant type: single nucleotide variant.
Coding change: c.2737G>A on transcript NM_014704.4 (MANE Select); coding-DNA position 2737, G replaced by A.
Protein change: p.Gly913Arg; replaces glycine 913 with arginine.
Molecular consequence: missense variant.
Genome position (GRCh38, 1-based): chr1:3,815,443, C>T on the plus strand (G>A on the coding strand, the complement: CEP104 is on the minus strand). VCF-style: chr1-3815443-C-T. GRCh37 (hg19) VCF-style: chr1-3732007-C-T.
Other names: p.Gly913Arg; short protein forms G913R.
Identifiers: ClinVar variation 569168 (VCV000569168.9), dbSNP rs201733773, ClinGen allele CA551173.